The following is an entry in ClinVar:

NM_182641.4(BPTF):c.2740A>G (p.Thr914Ala)

Gene: BPTF (bromodomain PHD finger transcription factor; plus strand). Cytogenetic location: 17q24.2.
Variant type: single nucleotide variant.
Coding change: c.2740A>G on transcript NM_182641.4 (MANE Select); coding-DNA position 2740, A replaced by G.
Protein change: p.Thr914Ala; replaces threonine 914 with alanine.
Molecular consequence: missense variant.
Genome position (GRCh38, 1-based): chr17:67,904,768, A>G. VCF-style: chr17-67904768-A-G. GRCh37 (hg19) VCF-style: chr17-65900884-A-G.
Other names: c.2929A>G, p.Thr977Ala (NM_001439139.1, NM_001439141.1, NM_001439143.1 and 1 more transcripts); c.3118A>G, p.Thr1040Ala (NM_001439140.1, NM_001439142.1, NM_004459.7); short protein forms T1040A, T914A, T977A.
Identifiers: ClinVar variation 4538891 (VCV004538891.1).

ClinVar aggregate classification (germline): Uncertain significance (1 of 4 stars; one submission).

Submission:

GeneDx
Classification: Uncertain significance. Last evaluated: 2025-06-17. Review status: criteria provided, single submitter. Criteria: GeneDx Variant Classification Process June 2021. Collection method: clinical testing. Allele origin: germline. Affected: yes.
Comment: Not observed at significant frequency in large population cohorts (gnomAD); In silico analysis supports that this missense variant has a deleterious effect on protein structure/function; Has not been previously published as pathogenic or benign to our knowledge